The following is an entry in ClinVar:

NM_000548.5(TSC2):c.2204C>T (p.Ser735Phe)

Gene: TSC2 (TSC complex subunit 2; plus strand). Cytogenetic location: 16p13.3.
Variant type: single nucleotide variant.
Coding change: c.2204C>T on transcript NM_000548.5 (MANE Select); coding-DNA position 2204, C replaced by T.
Protein change: p.Ser735Phe; replaces serine 735 with phenylalanine.
Molecular consequence: missense variant.
Genome position (GRCh38, 1-based): chr16:2,072,347, C>T. VCF-style: chr16-2072347-C-T. GRCh37 (hg19) VCF-style: chr16-2122348-C-T.
Other names: c.2204C>T, p.Ser735Phe (NM_021055.3, NM_001077183.3, NM_001114382.3 and 3 more transcripts); c.2093C>T, p.Ser698Phe (NM_001318827.2); c.2057C>T, p.Ser686Phe (NM_001318829.2); c.1604C>T, p.Ser535Phe (NM_001318831.2); c.2237C>T, p.Ser746Phe (NM_001318832.2); short protein forms S535F, S735F, S686F, S698F, S746F.
Identifiers: ClinVar variation 642152 (VCV000642152.8), dbSNP rs1596347589, ClinGen allele CA394275097.

ClinVar aggregate classification (germline): Uncertain significance (1 of 4 stars; one submission).

Conditions:
Tuberous sclerosis 2 (TSC2). Identifiers: Orphanet 805, MedGen C1860707, MONDO:0013199, OMIM 613254.

Submission:

Labcorp Genetics (formerly Invitae), Labcorp
Classification: Uncertain significance for Tuberous sclerosis 2. Last evaluated: 2018-09-06. Review status: criteria provided, single submitter. Criteria: Invitae Variant Classification Sherloc (09022015). Collection method: clinical testing. Allele origin: germline.
Comment: In summary, the available evidence is currently insufficient to determine the role of this variant in disease. Therefore, it has been classified as a Variant of Uncertain Significance. Algorithms developed to predict the effect of missense changes on protein structure and function are either unavailable or do not agree on the potential impact of this missense change (SIFT: "Deleterious"; PolyPhen-2: "Benign"; Align-GVGD: "Class C0"). This variant has not been reported in the literature in individuals with TSC2-related disease. This variant is not present in population databases (ExAC no frequency). This sequence change replaces serine with phenylalanine at codon 735 of the TSC2 protein (p.Ser735Phe). The serine residue is moderately conserved and there is a large physicochemical difference between serine and phenylalanine.